The following is an entry in ClinVar:

ClinVar aggregate classification (germline): Pathogenic (1 of 4 stars; one submission).

Conditions:
Hyperekplexia 2 (HKPX2). Identifiers: Orphanet 3197, MedGen C3553291, MONDO:0013828, OMIM 614619.

Submission:

Labcorp Genetics (formerly Invitae), Labcorp
Classification: Pathogenic for Hyperekplexia 2. Last evaluated: 2018-05-15. Review status: criteria provided, single submitter. Criteria: Invitae Variant Classification Sherloc (09022015). Collection method: clinical testing. Allele origin: germline.
Comment: This sequence change creates a premature translational stop signal (p.Ser150Lysfs*6) in the GLRB gene. It is expected to result in an absent or disrupted protein product. This variant is not present in population databases (ExAC no frequency). This variant has not been reported in the literature in individuals with GLRB-related disease. Loss-of-function variants in GLRB are known to be pathogenic (PMID: 23184146). For these reasons, this variant has been classified as Pathogenic.

Literature cited by the submitters: PubMed 23184146.

NM_000824.5(GLRB):c.448dup (p.Ser150fs)

Gene: GLRB (glycine receptor beta; plus strand). Cytogenetic location: 4q32.1.
Variant type: Duplication.
Coding change: c.448dup on transcript NM_000824.5 (MANE Select); coding-DNA position 448, one base duplicated (A; older notation c.448dupA).
Protein change: p.Ser150fs; shifts the reading frame from serine 150.
Molecular consequence: frameshift variant.
Genome position (GRCh38, 1-based): chr4:157,136,619, A duplicated; the last of 6 consecutive A bases (chr4:157,136,614-157,136,619); duplicating any one gives the same sequence. VCF-style (leftmost placement, unchanged base first): chr4-157136613-G-GA. GRCh37 (hg19) VCF-style: chr4-158057765-G-GA.
Other names: c.448dup, p.Ser150fs (NM_001166060.2, NM_001166061.2); c.448dupA (NM_000824.4); short protein forms S150fs.
Identifiers: ClinVar variation 574411 (VCV000574411.6), dbSNP rs1560962569, ClinGen allele CA891843188.